The following is an entry in ClinVar:

NM_020987.5(ANK3):c.6066C>T (p.Ala2022=)

Gene: ANK3 (ankyrin 3; minus strand). Cytogenetic location: 10q21.2.
Variant type: single nucleotide variant.
Coding change: c.6066C>T on transcript NM_020987.5 (MANE Select); coding-DNA position 6066, C replaced by T.
Protein change: p.Ala2022=; no amino-acid change (alanine 2022 retained).
Molecular consequence: synonymous variant. On other transcripts: intron variant (4).
Genome position (GRCh38, 1-based): chr10:60,074,815, G>A on the plus strand (C>T on the coding strand, the complement: ANK3 is on the minus strand). VCF-style: chr10-60074815-G-A. GRCh37 (hg19) VCF-style: chr10-61834573-G-A.
Other names: c.4387+5722C>T (NM_001204403.2); c.4408+5722C>T (NM_001204404.2); c.4405+5722C>T (NM_001320874.2); c.1807+5722C>T (NM_001149.4); c.6066C>T (NM_020987.4).
Identifiers: ClinVar variation 128373 (VCV000128373.17), dbSNP rs17208576, ClinGen allele CA151797.
Genomic context (GRCh38, chr10:60,074,815, plus strand): 5'-CCCAATATCATTTGTTAGGTAATCAATAACTTTGGTCAAGTTATAATCCTTTTCGGAGGC[G>A]GCTTTTGCTTTTACTTGCACTCTCTCTGGCAGAGATGGAGACTGGCTCGCAGCAGCTTGT-3'
Protein context (NP_066267.2, residues 2012-2032): LPERVQVKAK[Ala2022=]ASEKDYNLTK

ClinVar aggregate classification (germline): Benign. Review status: criteria provided, multiple submitters, no conflicts (2 of 4 stars). 4 submissions from 4 submitters: Benign (2). 2 of the submissions do not count toward it. Last evaluated 2026-02-03.

Conditions:
ANK3-related disorder. Also called: ANK3-related condition.

Allele frequency attached by ClinVar (database versions not stated): gnomAD exomes 0.09459 and 0.07196; 1000 Genomes Project 30x 0.03232; gnomAD 0.07406 and 0.07165; TOPMed 0.06868; ESP Exome Variant Server 0.07866; 1000 Genomes Project 0.03155; ExAC 0.07419.
gnomAD v4.1: 148,614 of 1,613,714 alleles (9.2%); highest among the groups gnomAD compares: Non-Finnish European, 11%; 7,857 homozygotes.

Submissions (4):

Labcorp Genetics (formerly Invitae), Labcorp
Classification: Benign. Last evaluated: 2026-02-03. Review status: criteria provided, single submitter. Criteria: Invitae Variant Classification Sherloc (09022015). Collection method: clinical testing. Allele origin: germline.

Breakthrough Genomics
Classification: Benign. Review status: criteria provided, single submitter. Criteria: ACMG Guidelines, 2015. Collection method: not provided. Allele origin: germline. Inheritance: Autosomal recessive inheritance. Affected: yes.

PreventionGenetics, part of Exact Sciences
Classification: Benign for ANK3-related condition. Last evaluated: 2019-11-25. Review status: no assertion criteria provided. Collection method: clinical testing. Allele origin: germline. Not counted in ClinVar's aggregate classification.
Comment: This variant is classified as benign based on ACMG/AMP sequence variant interpretation guidelines (Richards et al. 2015 PMID: 25741868, with internal and published modifications).

Genetic Services Laboratory, University of Chicago
Classification: Likely benign for AllHighlyPenetrant. Review status: no assertion criteria provided. Collection method: clinical testing. Allele origin: germline. Inheritance: Autosomal recessive inheritance. Not counted in ClinVar's aggregate classification.
Comment: Likely benign based on allele frequency in 1000 Genomes Project or ESP global frequency and its presence in a patient with a rare or unrelated disease phenotype. NOT Sanger confirmed.